The following is an entry in ClinVar:

ClinVar aggregate classification (germline): Likely benign (0 of 4 stars; one submission).

Conditions:
TMEM107-related disorder. Also called: TMEM107-related condition.

Allele frequency attached by ClinVar (database versions not stated): ESP Exome Variant Server 0.00017; 1000 Genomes Project 30x 0.00031.

Submission:

PreventionGenetics, part of Exact Sciences
Classification: Likely benign for TMEM107-related condition. Last evaluated: 2022-07-20. Review status: no assertion criteria provided. Collection method: clinical testing. Allele origin: germline.
Comment: This variant is classified as likely benign based on ACMG/AMP sequence variant interpretation guidelines (Richards et al. 2015 PMID: 25741868, with internal and published modifications).

NM_183065.4(TMEM107):c.*764A>G

Gene: TMEM107 (transmembrane protein 107; minus strand). Cytogenetic location: 17p13.1.
Variant type: single nucleotide variant.
Coding change: c.*764A>G on transcript NM_183065.4 (MANE Select); 764 bases downstream of the stop codon, A replaced by G.
Molecular consequence: 3 prime UTR variant. On other transcripts: non-coding transcript variant (1).
Genome position (GRCh38, 1-based): chr17:8,173,439, T>C on the plus strand (A>G on the coding strand, the complement: TMEM107 is on the minus strand). VCF-style: chr17-8173439-T-C. GRCh37 (hg19) VCF-style: chr17-8076757-T-C.
Other names: c.*764A>G (NM_001351278.2, NM_001351279.2, NM_001351280.2 and 1 more transcripts).
Identifiers: ClinVar variation 3030614 (VCV003030614.2), dbSNP rs115989975, ClinGen allele CA8370529.
Genomic context (GRCh38, chr17:8,173,439, plus strand): 5'-AGTCAGAACTTCATAGCTATGTTTGTGGATATCTGCTAATCAGCATAACACAAATGTAAG[T>C]GATCGTCAGAAAGAATCAGACAGGAGCAATCAGGGTGTTGCAAGTCCTGATTACGCAGAG-3'